The following is an entry in ClinVar:

ClinVar aggregate classification (germline): Conflicting classifications of pathogenicity. Review status: criteria provided, conflicting classifications (1 of 4 stars). 8 submissions from 8 submitters: Pathogenic (1); Likely pathogenic (1); Uncertain significance (4). 2 of the submissions do not count toward it. Last evaluated 2026-10-11.

Conditions:
Porokeratosis 7, multiple types. Also called: POROK7. Identifiers: MedGen C3553549, MONDO:0013868, OMIM 614714.
Linear porokeratosis. Identifiers: MedGen C0302319, MeSH D017499, MONDO:0023246.
MVD-related disorder. Also called: MVD-related condition.

Allele frequency attached by ClinVar (database versions not stated): 1000 Genomes Project 30x 0.00016; 1000 Genomes Project 0.00020; gnomAD exomes 0.00197 and 0.00339; ESP Exome Variant Server 0.00247; TOPMed 0.00294; gnomAD 0.00296 and 0.00306; ExAC 0.00320.

Submissions (24):

GeneDx
Classification: Pathogenic. Last evaluated: 2026-10-11. Review status: criteria provided, single submitter. Criteria: GeneDx Variant Classification Process June 2021. Collection method: clinical testing. Allele origin: germline.
Comment: RNA studies demonstrate a damaging effect: reduced mRNA levels of MVD in blood and keratinocytes, suggestive of nonsense-mediated decay (PMID: 30942823, 37301908); In silico analysis supports a deleterious effect on splicing; This variant is associated with the following publications: (PMID: 30942823, 34426522, 16924058, 33491095, 31449901, 32767669, 33005717, 37726979, 37301908, 41240373)

Blueprint Genetics
Classification: Uncertain significance. Last evaluated: 2024-11-26. Review status: criteria provided, single submitter. Criteria: ACMG Guidelines, 2015. Collection method: clinical testing. Allele origin: germline.

Laboratory for Molecular Medicine, Mass General Brigham Personalized Medicine
Classification: Uncertain significance for Porokeratosis 7, multiple types. Last evaluated: 2024-02-16. Review status: criteria provided, single submitter. Criteria: ACMG Guidelines, 2015. Collection method: clinical testing. Allele origin: germline. Inheritance: Autosomal dominant inheritance.
Comment: The c.70+5G>A variant in MVD has been reported in 17 heterozygous individuals with different types of porokeratosis, but only a small subset of these individuals had a second hit identified in the parakeratotic cells. This variant did segregate with disease in 2 affected relatives from 1 family (Atzmony 2019 PMID: 30942823, Atzmony 2020 PMID: 31449901, Jagle 2021 PMID: 33491095, Saleva-Stateva 2021 PMID: 32767669). This variant has also been identified in 0.41% (4826/1174726) of European (non-Finnish) chromosomes by gnomAD (v4.0.0) and in ClinVar (Variation ID 1344813). This variant is located in the 5' splice region and computational prediction tools suggest an impact on splicing. In vitro functional studies demonstrated reduced levels of the wildtype transcript, possibly as a result of degradation of the variant transcript by nonsense-mediated decay (NMD) (Atzmony 2019 PMID: 30942823). In summary, while there is some suspicion for a pathogenic role, the clinical significance of this variant is uncertain. ACMG/AMP Criteria applied: PP3, PS3_Supporting.

Laboratorio de Genetica e Diagnostico Molecular, Hospital Israelita Albert Einstein
Classification: Uncertain significance for Porokeratosis 7, multiple types. Last evaluated: 2024-01-19. Review status: criteria provided, single submitter. Criteria: ACMG Guidelines, 2015. Collection method: clinical testing. Allele origin: germline. Affected: yes.
Comment: ACMG classification criteria: PP3 supporting, BS1 strong

CeGaT Center for Human Genetics Tuebingen
Classification: Likely pathogenic. Last evaluated: 2023-08-01. Review status: criteria provided, single submitter. Criteria: CeGaT Center For Human Genetics Tuebingen Variant Classification Criteria Version 2. Collection method: clinical testing. Allele origin: germline. Affected: yes. Observed: 1 variant allele.
Comment: MVD: PM2, PM3, PP3, PS3:Supporting, PS4:Supporting

Department of Pathology and Laboratory Medicine, Sinai Health System
Classification: Uncertain significance for Porokeratosis 7, multiple types. Last evaluated: 2023-04-13. Review status: criteria provided, single submitter. Criteria: ACMG Guidelines, 2015. Collection method: research. Allele origin: germline.

Yale Center for Mendelian Genomics, Yale University
Classification: Likely pathogenic for Linear porokeratosis. Last evaluated: 2020-08-22. Review status: no assertion criteria provided. Collection method: literature only. Allele origin: somatic. Affected: yes. Observed: 1 heterozygote. Study: Yale Center for Mendelian Genomics. Not counted in ClinVar's aggregate classification.

PreventionGenetics, part of Exact Sciences
Classification: Likely benign for MVD-related condition. Last evaluated: 2019-05-09. Review status: no assertion criteria provided. Collection method: clinical testing. Allele origin: germline. Not counted in ClinVar's aggregate classification.
Comment: This variant is classified as likely benign based on ACMG/AMP sequence variant interpretation guidelines (Richards et al. 2015 PMID: 25741868, with internal and published modifications).

Dr. Peter K. Rogan Lab, Western University
No classification provided (evidence only). Condition: Lung cancer. Review status: no classification provided. Collection method: in vitro. Allele origin: not applicable. Functional consequence: retained intron. Not counted in ClinVar's aggregate classification.

Dr. Peter K. Rogan Lab, Western University
No classification provided (evidence only). Condition: Lung cancer. Review status: no classification provided. Collection method: in vitro. Allele origin: not applicable. Functional consequence: retained intron. Not counted in ClinVar's aggregate classification.

Dr. Peter K. Rogan Lab, Western University
No classification provided (evidence only). Condition: Colon adenocarcinoma. Review status: no classification provided. Collection method: in vitro. Allele origin: not applicable. Functional consequence: retained intron. Not counted in ClinVar's aggregate classification.

Dr. Peter K. Rogan Lab, Western University
No classification provided (evidence only). Condition: Colorectal cancer. Review status: no classification provided. Collection method: in vitro. Allele origin: not applicable. Functional consequence: retained intron. Not counted in ClinVar's aggregate classification.

Dr. Peter K. Rogan Lab, Western University
No classification provided (evidence only). Condition: Colorectal cancer. Review status: no classification provided. Collection method: in vitro. Allele origin: not applicable. Functional consequence: retained intron. Not counted in ClinVar's aggregate classification.

Dr. Peter K. Rogan Lab, Western University
No classification provided (evidence only). Condition: Uterine corpus endometrial carcinoma. Review status: no classification provided. Collection method: in vitro. Allele origin: not applicable. Functional consequence: retained intron. Not counted in ClinVar's aggregate classification.

Dr. Peter K. Rogan Lab, Western University
No classification provided (evidence only). Condition: Cervical cancer. Review status: no classification provided. Collection method: in vitro. Allele origin: not applicable. Functional consequence: retained intron. Not counted in ClinVar's aggregate classification.

Dr. Peter K. Rogan Lab, Western University
No classification provided (evidence only). Condition: Cervical cancer. Review status: no classification provided. Collection method: in vitro. Allele origin: not applicable. Functional consequence: retained intron. Not counted in ClinVar's aggregate classification.

Dr. Peter K. Rogan Lab, Western University
No classification provided (evidence only). Condition: Thymoma. Review status: no classification provided. Collection method: in vitro. Allele origin: not applicable. Functional consequence: retained intron. Not counted in ClinVar's aggregate classification.

Dr. Peter K. Rogan Lab, Western University
No classification provided (evidence only). Condition: Thymoma. Review status: no classification provided. Collection method: in vitro. Allele origin: not applicable. Functional consequence: retained intron. Not counted in ClinVar's aggregate classification.

Dr. Peter K. Rogan Lab, Western University
No classification provided (evidence only). Condition: Thymoma. Review status: no classification provided. Collection method: in vitro. Allele origin: not applicable. Functional consequence: retained intron. Not counted in ClinVar's aggregate classification.

Dr. Peter K. Rogan Lab, Western University
No classification provided (evidence only). Condition: Thymoma. Review status: no classification provided. Collection method: in vitro. Allele origin: not applicable. Functional consequence: retained intron. Not counted in ClinVar's aggregate classification.

Dr. Peter K. Rogan Lab, Western University
No classification provided (evidence only). Condition: Ovarian serous cystadenocarcinoma. Review status: no classification provided. Collection method: in vitro. Allele origin: not applicable. Functional consequence: retained intron. Not counted in ClinVar's aggregate classification.

Dr. Peter K. Rogan Lab, Western University
No classification provided (evidence only). Condition: Ovarian serous cystadenocarcinoma. Review status: no classification provided. Collection method: in vitro. Allele origin: not applicable. Functional consequence: retained intron. Not counted in ClinVar's aggregate classification.

Dr. Peter K. Rogan Lab, Western University
No classification provided (evidence only). Condition: Gastric cancer. Review status: no classification provided. Collection method: in vitro. Allele origin: not applicable. Functional consequence: retained intron. Not counted in ClinVar's aggregate classification.

Dr. Peter K. Rogan Lab, Western University
No classification provided (evidence only). Condition: Malignant tumor of esophagus. Review status: no classification provided. Collection method: in vitro. Allele origin: not applicable. Functional consequence: retained intron. Not counted in ClinVar's aggregate classification.

Literature cited by the submitters: PubMed 30942823 (cited by Laboratory for Molecular Medicine, Mass General Brigham Personalized Medicine); PubMed 31449901 (cited by Laboratory for Molecular Medicine, Mass General Brigham Personalized Medicine); PubMed 32767669 (cited by Laboratory for Molecular Medicine, Mass General Brigham Personalized Medicine); PubMed 26202976 (cited by Laboratory for Molecular Medicine, Mass General Brigham Personalized Medicine); PubMed 33491095 (cited by Laboratory for Molecular Medicine, Mass General Brigham Personalized Medicine); PubMed 33005717 (cited by Yale Center for Mendelian Genomics, Yale University).

NM_002461.3(MVD):c.70+5G>A

Genes: MVD (mevalonate diphosphate decarboxylase; minus strand), LOC130059740 (ATAC-STARR-seq lymphoblastoid silent region 7865; plus strand). Cytogenetic location: 16q24.2.
Variant type: single nucleotide variant.
Coding change: c.70+5G>A on transcript NM_002461.3 (MANE Select); 5 bases into the intron after coding-DNA position 70, G replaced by A.
Molecular consequence: intron variant.
Genome position (GRCh38, 1-based): chr16:88,663,006, C>T on the plus strand (G>A on the coding strand, the complement: MVD is on the minus strand). VCF-style: chr16-88663006-C-T. GRCh37 (hg19) VCF-style: chr16-88729414-C-T.
Other names: c.70+5G>A (NM_002461.2).
Identifiers: ClinVar variation 1344813 (VCV001344813.38), dbSNP rs200035262, ClinGen allele CA8229163.